The following is an entry in ClinVar:

NM_032898.5(CEP19):c.137C>G (p.Thr46Ser)

Gene: CEP19 (centrosomal protein 19; minus strand). Cytogenetic location: 3q29.
Variant type: single nucleotide variant.
Coding change: c.137C>G on transcript NM_032898.5 (MANE Select); coding-DNA position 137, C replaced by G.
Protein change: p.Thr46Ser; replaces threonine 46 with serine.
Molecular consequence: missense variant.
Genome position (GRCh38, 1-based): chr3:196,707,906, G>C on the plus strand (C>G on the coding strand, the complement: CEP19 is on the minus strand). VCF-style: chr3-196707906-G-C. GRCh37 (hg19) VCF-style: chr3-196434777-G-C.
Other names: c.32C>G, p.Thr11Ser (NM_001379468.1); c.137C>G, p.Thr46Ser (NM_001379469.1, NM_001379470.1); short protein forms T46S, T11S.
Identifiers: ClinVar variation 1972833 (VCV001972833.5), dbSNP rs1711588184, ClinGen allele CA355634672.

ClinVar aggregate classification (germline): Uncertain significance (1 of 4 stars; one submission).

Allele frequency attached by ClinVar (database versions not stated): gnomAD exomes below 0.00001; gnomAD 0.00001; TOPMed 0.00001.
gnomAD v4.1: 5 of 1,609,186 alleles (0.00031%); highest among the groups gnomAD compares: Non-Finnish European, 0.00042%; no homozygotes.

Submission:

Labcorp Genetics (formerly Invitae), Labcorp
Classification: Uncertain significance. Last evaluated: 2021-12-02. Review status: criteria provided, single submitter. Criteria: Invitae Variant Classification Sherloc (09022015). Collection method: clinical testing. Allele origin: germline.
Comment: In summary, the available evidence is currently insufficient to determine the role of this variant in disease. Therefore, it has been classified as a Variant of Uncertain Significance. Algorithms developed to predict the effect of sequence changes on RNA splicing suggest that this variant may create or strengthen a splice site. Algorithms developed to predict the effect of missense changes on protein structure and function output the following: SIFT: "Tolerated"; PolyPhen-2: "Benign"; Align-GVGD: "Class C0". The serine amino acid residue is found in multiple mammalian species, which suggests that this missense change does not adversely affect protein function. This variant has not been reported in the literature in individuals affected with CEP19-related conditions. This variant is not present in population databases (gnomAD no frequency). This sequence change replaces threonine, which is neutral and polar, with serine, which is neutral and polar, at codon 50 of the CEP19 protein (p.Thr50Ser).